The following is an entry in ClinVar:

NM_005450.6(NOG):c.222C>T (p.Tyr74=)

Gene: NOG (noggin; plus strand). Cytogenetic location: 17q22.
Variant type: single nucleotide variant.
Coding change: c.222C>T on transcript NM_005450.6 (MANE Select); coding-DNA position 222, C replaced by T.
Protein change: p.Tyr74=; no amino-acid change (tyrosine 74 retained).
Molecular consequence: synonymous variant.
Genome position (GRCh38, 1-based): chr17:56,594,445, C>T. VCF-style: chr17-56594445-C-T. GRCh37 (hg19) VCF-style: chr17-54671806-C-T.
Identifiers: ClinVar variation 4768841 (VCV004768841.1).

ClinVar aggregate classification (germline): Uncertain significance (1 of 4 stars; one submission).

gnomAD v4.1: 2 of 1,612,860 alleles (0.00012%); highest among the groups gnomAD compares: East Asian, 0.0045%; no homozygotes.

Submission:

Labcorp Genetics (formerly Invitae), Labcorp
Classification: Uncertain significance. Last evaluated: 2025-11-19. Review status: criteria provided, single submitter. Criteria: Invitae Variant Classification Sherloc (09022015). Collection method: clinical testing. Allele origin: germline.
Comment: This sequence change affects codon 74 of the NOG mRNA. It is a 'silent' change, meaning that it does not change the encoded amino acid sequence of the NOG protein. This variant is present in population databases (no rsID available, gnomAD 0.01%). This variant has not been reported in the literature in individuals affected with NOG-related conditions. In summary, the available evidence is currently insufficient to determine the role of this variant in disease. Therefore, it has been classified as a Variant of Uncertain Significance.